The following is an entry in ClinVar:

NM_001447.3(FAT2):c.9089T>C (p.Ile3030Thr)

Genes: FAT2 (FAT atypical cadherin 2; minus strand), SLC36A1 (solute carrier family 36 member 1; plus strand). Cytogenetic location: 5q33.1.
Variant type: single nucleotide variant.
Coding change: c.9089T>C on transcript NM_001447.3 (MANE Select); coding-DNA position 9089, T replaced by C.
Protein change: p.Ile3030Thr; replaces isoleucine 3030 with threonine.
Molecular consequence: missense variant.
Genome position (GRCh38, 1-based): chr5:151,537,897, A>G on the plus strand (T>C on the coding strand, the complement: FAT2 is on the minus strand). VCF-style: chr5-151537897-A-G. GRCh37 (hg19) VCF-style: chr5-150917458-A-G.
Other names: short protein forms I3030T.
Identifiers: ClinVar variation 3093132 (VCV003093132.3), dbSNP rs779273140, ClinGen allele CA3520660.

ClinVar aggregate classification (germline): Uncertain significance. Review status: criteria provided, multiple submitters, no conflicts (2 of 4 stars). 2 submissions from 2 submitters: Uncertain significance (2). Last evaluated 2024-11-28.

Allele frequency attached by ClinVar (database versions not stated): ExAC 0.00002; gnomAD 0.00007; TOPMed 0.00008; gnomAD exomes 0.00009.
gnomAD v4.1: 152 of 1,614,068 alleles (0.0094%); highest among the groups gnomAD compares: Non-Finnish European, 0.012%; no homozygotes.

Submissions (2):

Labcorp Genetics (formerly Invitae), Labcorp
Classification: Uncertain significance. Last evaluated: 2024-11-28. Review status: criteria provided, single submitter. Criteria: Invitae Variant Classification Sherloc (09022015). Collection method: clinical testing. Allele origin: germline.
Comment: This sequence change replaces isoleucine, which is neutral and non-polar, with threonine, which is neutral and polar, at codon 3030 of the FAT2 protein (p.Ile3030Thr). This variant is present in population databases (rs779273140, gnomAD 0.01%). This variant has not been reported in the literature in individuals affected with FAT2-related conditions. ClinVar contains an entry for this variant (Variation ID: 3093132). Invitae Evidence Modeling of protein sequence and biophysical properties (such as structural, functional, and spatial information, amino acid conservation, physicochemical variation, residue mobility, and thermodynamic stability) indicates that this missense variant is not expected to disrupt FAT2 protein function with a negative predictive value of 80%. In summary, the available evidence is currently insufficient to determine the role of this variant in disease. Therefore, it has been classified as a Variant of Uncertain Significance.

Ambry Genetics
Classification: Uncertain significance. Last evaluated: 2023-12-17. Review status: criteria provided, single submitter. Criteria: Ambry Variant Classification Scheme 2023. Collection method: clinical testing. Allele origin: germline.